The following is an entry in ClinVar:

ClinVar aggregate classification (germline): Uncertain significance. Review status: criteria provided, multiple submitters, no conflicts (2 of 4 stars). 2 submissions from 2 submitters: Uncertain significance (2). Last evaluated 2025-02-19.

Conditions:
Inborn genetic diseases. Identifiers: MedGen C0950123, MeSH D030342.

Allele frequency attached by ClinVar (database versions not stated): TOPMed below 0.00001; ExAC 0.00001; gnomAD 0.00001; gnomAD exomes 0.00001.
gnomAD v4.1: 11 of 1,614,128 alleles (0.00068%); highest among the groups gnomAD compares: Non-Finnish European, 0.00076%; no homozygotes.

Submissions (2):

Athena Diagnostics
Classification: Uncertain significance. Last evaluated: 2025-02-19. Review status: criteria provided, single submitter. Criteria: Athena Diagnostics Criteria. Collection method: clinical testing. Allele origin: unknown.
Comment: Available data are insufficient to determine the clinical significance of the variant at this time. The frequency of this variant in the general population is uninformative in assessment of its pathogenicity. Polyphen and MutationTaster yielded discordant predictions regarding whether this amino acid change is damaging to the protein. The variant is located in a region that is considered important for protein function and/or structure.

Ambry Genetics
Classification: Uncertain significance for Inborn genetic diseases. Last evaluated: 2022-10-25. Review status: criteria provided, single submitter. Criteria: Ambry Variant Classification Scheme 2023. Collection method: clinical testing. Allele origin: germline.

NM_001195248.2(APTX):c.49A>T (p.Ile17Phe)

Gene: APTX (aprataxin; minus strand). Cytogenetic location: 9p21.1.
Variant type: single nucleotide variant.
Coding change: c.49A>T on transcript NM_001195248.2 (MANE Select); coding-DNA position 49, A replaced by T.
Protein change: p.Ile17Phe; replaces isoleucine 17 with phenylalanine.
Molecular consequence: missense variant. On other transcripts: 5 prime UTR variant (8), non-coding transcript variant (13).
Genome position (GRCh38, 1-based): chr9:32,989,843, T>A on the plus strand (A>T on the coding strand, the complement: APTX is on the minus strand). VCF-style: chr9-32989843-T-A. GRCh37 (hg19) VCF-style: chr9-32989841-T-A.
Other names: c.49A>T, p.Ile17Phe (NM_001195249.2, NM_001195250.2, NM_001195251.2 and 11 more transcripts); c.-211A>T (NM_001369002.1, NM_001369003.1, NM_001369005.1 and 4 more transcripts); c.-169A>T (NM_001369004.1); c.-359A>T (NM_175071.1); short protein forms I17F.
Identifiers: ClinVar variation 2214267 (VCV002214267.3), dbSNP rs777796109, ClinGen allele CA5022663.